The following is an entry in ClinVar:

ClinVar aggregate classification (germline): Uncertain significance (1 of 4 stars; one submission).

Conditions:
Catecholaminergic polymorphic ventricular tachycardia (CVPT). Also called: Catecholamine-induced polymorphic ventricular tachycardia. Identifiers: Orphanet 3286, MedGen C5574922, MONDO:0017990.

Submission:

All of Us Research Program, National Institutes of Health
Classification: Uncertain significance for Catecholaminergic polymorphic ventricular tachycardia. Last evaluated: 2024-02-22. Review status: criteria provided, single submitter. Criteria: ACMG Guidelines, 2015. Collection method: clinical testing. Allele origin: germline. Inheritance: Autosomal dominant inheritance. Observed: 1 variant allele, 1 heterozygote.
Comment: This missense variant replaces glutamine with glutamic acid at codon 256 of the RYR2 protein. Computational prediction suggests that this variant may not impact protein structure and function (internally defined REVEL score threshold <= 0.5, PMID: 27666373). To our knowledge, functional studies have not been reported for this variant. This variant has not been reported in individuals affected with RYR2-related disorders in the literature. This variant has not been identified in the general population by the Genome Aggregation Database (gnomAD). The available evidence is insufficient to determine the role of this variant in disease conclusively. Therefore, this variant is classified as a Variant of Uncertain Significance.

This study involves interpretation of variants in research participants for the purpose of population health screening. Participant phenotype was not available at the time of variant classification. Additional details can be found in publication PMID: 35346344, PMCID: PMC8962531

NM_001035.3(RYR2):c.766C>G (p.Gln256Glu)

Gene: RYR2 (ryanodine receptor 2; plus strand). Cytogenetic location: 1q43.
Variant type: single nucleotide variant.
Coding change: c.766C>G on transcript NM_001035.3 (MANE Select); coding-DNA position 766, C replaced by G.
Protein change: p.Gln256Glu; replaces glutamine 256 with glutamic acid.
Molecular consequence: missense variant.
Genome position (GRCh38, 1-based): chr1:237,388,176, C>G. VCF-style: chr1-237388176-C-G. GRCh37 (hg19) VCF-style: chr1-237551476-C-G.
Other names: short protein forms Q256E.
Identifiers: ClinVar variation 3385657 (VCV003385657.1).
Genomic context (GRCh38, chr1:237,388,176, plus strand): 5'-TTGCTGCATGGACACATGGACGAGTGTCTCACTGTCCCTTCAGGAGAACATGGTGAAGAG[C>G]AGCGGAGGTTAGTACCTGAGCTCATTGCATTGAGACTTGCACTCTTTTGCCTTGATGTAA-3'
Protein context (NP_001026.2, residues 246-266): TVPSGEHGEE[Gln256Glu]RRTVHYEGGA